The following is an entry in ClinVar:

NM_198578.4(LRRK2):c.3435A>G (p.Ser1145=)

Gene: LRRK2 (leucine rich repeat kinase 2; plus strand). Cytogenetic location: 12q12.
Variant type: single nucleotide variant.
Coding change: c.3435A>G on transcript NM_198578.4 (MANE Select); coding-DNA position 3435, A replaced by G.
Protein change: p.Ser1145=; no amino-acid change (serine 1145 retained).
Molecular consequence: synonymous variant.
Genome position (GRCh38, 1-based): chr12:40,299,196, A>G. VCF-style: chr12-40299196-A-G. GRCh37 (hg19) VCF-style: chr12-40692998-A-G.
Identifiers: ClinVar variation 1618722 (VCV001618722.12), dbSNP rs886049359, ClinGen allele CA479251318.

ClinVar aggregate classification (germline): Likely benign. Review status: criteria provided, multiple submitters, no conflicts (2 of 4 stars). 3 submissions from 3 submitters: Likely benign (3). Last evaluated 2026-04-01.

Conditions:
Autosomal dominant Parkinson disease 8. Also called: LRRK2-Related Parkinson Disease; Parkinson disease 8; Parkinson disease 8, susceptibility to. Identifiers: Orphanet 411602, MedGen C1846862, MONDO:0011764, OMIM 607060.
Inborn genetic diseases. Identifiers: MedGen C0950123, MeSH D030342.

Allele frequency attached by ClinVar (database versions not stated): gnomAD 0.00001.
gnomAD v4.1: 1 of 1,613,568 alleles (0.000062%); highest among the groups gnomAD compares: Non-Finnish European, 0.000085%; no homozygotes.

Submissions (3):

CeGaT Center for Human Genetics Tuebingen
Classification: Likely benign. Last evaluated: 2026-04-01. Review status: criteria provided, single submitter. Criteria: CeGaT Center For Human Genetics Tuebingen Variant Classification Criteria Version 2. Collection method: clinical testing. Allele origin: germline. Affected: yes. Observed: 1 variant allele.
Comment: LRRK2: BP4, BP7

Ambry Genetics
Classification: Likely benign for Inborn genetic diseases. Last evaluated: 2022-08-22. Review status: criteria provided, single submitter. Criteria: Ambry Variant Classification Scheme 2023. Collection method: clinical testing. Allele origin: germline.

Labcorp Genetics (formerly Invitae), Labcorp
Classification: Likely benign for Autosomal dominant Parkinson disease 8. Last evaluated: 2021-08-26. Review status: criteria provided, single submitter. Criteria: Invitae Variant Classification Sherloc (09022015). Collection method: clinical testing. Allele origin: germline.